The following is an entry in ClinVar:

ClinVar aggregate classification (germline): Likely pathogenic (1 of 4 stars; one submission).

Conditions:
Dilated cardiomyopathy 1G (CMD1G). Identifiers: Orphanet 154, MedGen C1858763, MONDO:0011400, OMIM 604145.
Autosomal recessive limb-girdle muscular dystrophy type 2J (LGMDR10). Also called: MUSCULAR DYSTROPHY, LIMB-GIRDLE, AUTOSOMAL RECESSIVE 10; Limb-girdle muscular dystrophy, type 2J. Identifiers: Orphanet 140922, MedGen C1837342, MONDO:0012127, OMIM 608807.

Submission:

Labcorp Genetics (formerly Invitae), Labcorp
Classification: Likely pathogenic for Dilated cardiomyopathy 1G; Autosomal recessive limb-girdle muscular dystrophy type 2J. Last evaluated: 2023-05-05. Review status: criteria provided, single submitter. Criteria: Invitae Variant Classification Sherloc (09022015). Collection method: clinical testing. Allele origin: germline.
Comment: This sequence change creates a premature translational stop signal (p.Asn24256Lysfs*8) in the TTN gene. While this is not anticipated to result in nonsense mediated decay, it is expected to create a truncated TTN protein. This variant is not present in population databases (gnomAD no frequency). This variant has not been reported in the literature in individuals affected with TTN-related conditions. This variant is located in the A band of TTN (PMID: 25589632). Truncating variants in this region are significantly overrepresented in patients affected with dilated cardiomyopathy (PMID: 25589632). Truncating variants in this region have also been reported in individuals affected with autosomal recessive centronuclear myopathy (PMID: 23975875). In summary, the currently available evidence indicates that the variant is pathogenic, but additional data are needed to prove that conclusively. Therefore, this variant has been classified as Likely Pathogenic.

Literature cited by the submitters: PubMed 25589632; PubMed 23975875.

NM_001267550.2(TTN):c.72767dup (p.Asn24256fs)

Genes: TTN (titin; minus strand), TTN-AS1 (TTN antisense RNA 1; plus strand). Cytogenetic location: 2q31.2.
Variant type: Duplication.
Coding change: c.72767dup on transcript NM_001267550.2 (MANE Select); coding-DNA position 72767, one base duplicated (A; older notation c.72767dupA).
Protein change: p.Asn24256fs; shifts the reading frame from asparagine 24256.
Molecular consequence: frameshift variant.
Genome position (GRCh38, 1-based): chr2:178,573,365, T duplicated on the plus strand (A on the coding strand, the reverse complement: TTN is on the minus strand); the first of 2 consecutive T bases (chr2:178,573,365-178,573,366); duplicating either gives the same sequence. VCF-style (leftmost placement, unchanged base first): chr2-178573364-A-AT. GRCh37 (hg19) VCF-style: chr2-179438091-A-AT.
Other names: c.67844dup, p.Asn22615fs (NM_001256850.1); c.45572dup, p.Asn15191fs (NM_003319.4); c.65063dup, p.Asn21688fs (NM_133378.4); c.45947dup, p.Asn15316fs (NM_133432.3); c.46148dup, p.Asn15383fs (NM_133437.4); short protein forms N22615fs, N15191fs, N21688fs, N24256fs, N15316fs, N15383fs.
Identifiers: ClinVar variation 2942213 (VCV002942213.3), dbSNP rs2468581844, ClinGen allele CA2740096032.
Genomic context (GRCh38, chr2:178,573,364, plus strand): 5'-AGTTTTTTTGTTGCATTTAATCCAGCGTTGGCCAGCTTTATCACGCCGTTCCACAATATA[A>AT]TTGATGATTTCACTTCCACCATCAGAATCAGGATGTCCCCAGCAGACAACCATCGAATCT-3'